The following is an entry in ClinVar:

NM_000552.5(VWF):c.706C>T (p.Arg236Cys)

Gene: VWF (von Willebrand factor; minus strand). Cytogenetic location: 12p13.31.
Variant type: single nucleotide variant.
Coding change: c.706C>T on transcript NM_000552.5 (MANE Select); coding-DNA position 706, C replaced by T.
Protein change: p.Arg236Cys; replaces arginine 236 with cysteine.
Molecular consequence: missense variant.
Genome position (GRCh38, 1-based): chr12:6,075,503, G>A on the plus strand (C>T on the coding strand, the complement: VWF is on the minus strand). VCF-style: chr12-6075503-G-A. GRCh37 (hg19) VCF-style: chr12-6184669-G-A.
Other names: p.R236C; short protein forms R236C.
Identifiers: ClinVar variation 1695352 (VCV001695352.5), dbSNP rs140912382, ClinGen allele CA6403705.
Genomic context (GRCh38, chr12:6,075,503, plus strand): 5'-CACACAAAGTCTTCTCACACAGGGCCACAAAAGGCTCGGGGTCCACCAGAGGGTGGCAGC[G>A]GGCAAACACCGAGGTGCTCTTCAGAAGCTGGCACTGCTCCCACAGGCCCTGCAGGAAGAG-3'
Protein context (NP_000543.3, residues 226-246): QLLKSTSVFA[Arg236Cys]CHPLVDPEPF

ClinVar aggregate classification (germline): Uncertain significance. Review status: criteria provided, multiple submitters, no conflicts (2 of 4 stars). 5 submissions from 5 submitters: Uncertain significance (5). Last evaluated 2025-05-29.

Conditions:
von Willebrand disease type 1 (VWD1). Also called: VON WILLEBRAND DISEASE, TYPE I; VWD, TYPE 1. Identifiers: Orphanet 166078, Orphanet 903, MedGen C1264039, MONDO:0008668, OMIM 193400. Inheritance: autosomal recessive or autosomal dominant.
VWF-related disorder. Also called: VWF-related disorders; VWF-related condition.

Allele frequency attached by ClinVar (database versions not stated): gnomAD exomes 0.00012; gnomAD 0.00014; ESP Exome Variant Server 0.00023; TOPMed 0.00011; ExAC 0.00012.
gnomAD v4.1: 360 of 1,614,086 alleles (0.022%); highest among the groups gnomAD compares: Non-Finnish European, 0.028%; no homozygotes.

Submissions (5):

Revvity Omics, Revvity
Classification: Uncertain significance. Last evaluated: 2025-05-29. Review status: criteria provided, single submitter. Criteria: ACMG Guidelines, 2015. Collection method: clinical testing. Allele origin: germline.

ARUP Laboratories, Molecular Genetics and Genomics, ARUP Laboratories
Classification: Uncertain significance. Last evaluated: 2023-10-02. Review status: criteria provided, single submitter. Criteria: ARUP Molecular Germline Variant Investigation Process 2024. Collection method: clinical testing. Allele origin: germline.
Comment: The VWF c.706C>T; p.Arg236Cys variant (rs140912382), to our knowledge, is not reported in the medical literature but is reported in ClinVar (Variation ID: 1695352). This variant is found in the non-Finnish European population with an allele frequency of 0.023% (29/128,704 alleles) in the Genome Aggregation Database. Computational analyses are uncertain whether this variant is neutral or deleterious (REVEL: 0.638). Due to limited information, the clinical significance of this variant is uncertain at this time.

Laboratory of Hematology, Radboud University Medical Center
Classification: Uncertain significance for von Willebrand disease type 1. Last evaluated: 2021-02-01. Review status: criteria provided, single submitter. Criteria: ACMG Guidelines, 2015. Collection method: research. Allele origin: germline. Affected: yes. Observed: 1 variant allele. Study: WIN study.

Daryl Scott Lab, Baylor College of Medicine
Classification: Uncertain significance for VWF-related disorder. Review status: criteria provided, single submitter. Criteria: ACMG Guidelines, 2015. Collection method: clinical testing. Allele origin: maternal. Affected: yes. Observed: 1 compound heterozygote.
Comment: PP3

ISTH-SSC Genomics in Thrombosis and Hemostasis, KU Leuven, Center for Molecular and Vascular Biology
Classification: Uncertain significance for von Willebrand disease type 1. Review status: criteria provided, single submitter. Criteria: ACMG Guidelines, 2015. Collection method: clinical testing. Allele origin: germline. Affected: yes. Observed: 1 heterozygote.
Comment: Submitted to GoldVariant by Kathleen Freson, Center for Molecular and Vascular Biology, Leuven, Belgium